The following is an entry in ClinVar:

NM_032271.3(TRAF7):c.1124G>A (p.Gly375Asp)

Gene: TRAF7 (TNF receptor associated factor 7; plus strand). Cytogenetic location: 16p13.3.
Variant type: single nucleotide variant.
Coding change: c.1124G>A on transcript NM_032271.3 (MANE Select); coding-DNA position 1124, G replaced by A.
Protein change: p.Gly375Asp; replaces glycine 375 with aspartic acid.
Molecular consequence: missense variant.
Genome position (GRCh38, 1-based): chr16:2,173,825, G>A. VCF-style: chr16-2173825-G-A. GRCh37 (hg19) VCF-style: chr16-2223826-G-A.
Other names: short protein forms G375D.
Identifiers: ClinVar variation 2500518 (VCV002500518.1), dbSNP rs2545007312, ClinGen allele CA394327573.

ClinVar aggregate classification (germline): Likely pathogenic (1 of 4 stars; one submission).

Submission:

GeneDx
Classification: Likely pathogenic. Last evaluated: 2022-11-01. Review status: criteria provided, single submitter. Criteria: GeneDx Variant Classification Process June 2021. Collection method: clinical testing. Allele origin: germline. Affected: yes.
Comment: Not observed at significant frequency in large population cohorts (gnomAD); In silico analysis supports that this missense variant does not alter protein structure/function; Has not been previously published as pathogenic or benign to our knowledge